The following is an entry in ClinVar:

ClinVar aggregate classification (germline): Benign/Likely benign (0 of 4 stars; one submission).

Submission:

GeneDx
Classification: Benign/Likely benign. Last evaluated: 2011-04-30. Review status: no assertion criteria provided. Collection method: clinical testing. Allele origin: not provided. Affected: yes. Observed: 2 variant alleles.
Comment: Likely benign (1), Benign (1)

GRCh38/hg38 Xq26.3(chrX:135159111-135196179)x2

Gene: CT55 (cancer/testis antigen 55; minus strand). Cytogenetic location: Xq26.3.
Variant type: copy number gain.
Change: copy number 2 of chrX:135,159,111-135,196,179 (37.1 kb, GRCh38 coordinates, 1-based), cytogenetic band Xq26.3.
Identifiers: ClinVar variation 145768 (VCV000145768.1).